The following is an entry in ClinVar:

ClinVar aggregate classification (germline): Uncertain significance (1 of 4 stars; one submission).

Conditions:
Immunodeficiency. Identifiers: MedGen C0021051, MONDO:0021094, HP:0002721.

Submission:

Labcorp Genetics (formerly Invitae), Labcorp
Classification: Uncertain significance for Immunodeficiency. Last evaluated: 2026-01-02. Review status: criteria provided, single submitter. Criteria: Invitae Variant Classification Sherloc (09022015). Collection method: clinical testing. Allele origin: germline.
Comment: This sequence change replaces asparagine, which is neutral and polar, with serine, which is neutral and polar, at codon 654 of the NFAT5 protein (p.Asn654Ser). This variant is present in population databases (no rsID available, gnomAD 0.003%). This variant has not been reported in the literature in individuals affected with NFAT5-related conditions. An algorithm developed to predict the effect of missense changes on protein structure and function (PolyPhen-2) suggests that this variant is likely to be tolerated. In summary, the available evidence is currently insufficient to determine the role of this variant in disease. Therefore, it has been classified as a Variant of Uncertain Significance.

NM_138713.4(NFAT5):c.2243A>G (p.Asn748Ser)

Gene: NFAT5 (nuclear factor of activated T cells 5; plus strand). Cytogenetic location: 16q22.1.
Variant type: single nucleotide variant.
Coding change: c.2243A>G on transcript NM_138713.4 (MANE Select); coding-DNA position 2243, A replaced by G.
Protein change: p.Asn748Ser; replaces asparagine 748 with serine.
Molecular consequence: missense variant.
Genome position (GRCh38, 1-based): chr16:69,692,068, A>G. VCF-style: chr16-69692068-A-G. GRCh37 (hg19) VCF-style: chr16-69725971-A-G.
Other names: c.2240A>G, p.Asn747Ser (NM_001113178.3); c.1568A>G, p.Asn523Ser (NM_001367709.1); c.2189A>G, p.Asn730Ser (NM_006599.4); c.1961A>G, p.Asn654Ser (NM_138714.4, NM_173214.3, NM_173215.3); short protein forms N654S, N730S, N747S, N523S, N748S.
Identifiers: ClinVar variation 4707954 (VCV004707954.1).